The following is an entry in ClinVar:

NM_145207.3(AFG2A):c.2623G>A (p.Glu875Lys)

Gene: AFG2A (AAA ATPase AFG2A; plus strand). Cytogenetic location: 4q28.1.
Variant type: single nucleotide variant.
Coding change: c.2623G>A on transcript NM_145207.3 (MANE Select); coding-DNA position 2623, G replaced by A.
Protein change: p.Glu875Lys; replaces glutamic acid 875 with lysine.
Molecular consequence: missense variant.
Genome position (GRCh38, 1-based): chr4:123,314,005, G>A. VCF-style: chr4-123314005-G-A. GRCh37 (hg19) VCF-style: chr4-124235160-G-A.
Other names: c.2620G>A, p.Glu874Lys (NM_001345856.2); short protein forms E875K, E874K.
Identifiers: ClinVar variation 847421 (VCV000847421.5), dbSNP rs1317171361, ClinGen allele CA358228907.
Genomic context (GRCh38, chr4:123,314,005, plus strand): 5'-AATCTCATCATGAAAAGACATTTCACTCAGGCCTTGAGCACTGTGACACCTAGAATTCCT[G>A]AGTCATTGAGACGTTTTTATGAAGATTATCAAGAGAAGAGTGGGCTGCATACACTCTGAG-3'
Protein context (NP_660208.2, residues 865-885): ALSTVTPRIP[Glu875Lys]SLRRFYEDYQ

ClinVar aggregate classification (germline): Conflicting classifications of pathogenicity. Review status: criteria provided, conflicting classifications (1 of 4 stars). 2 submissions from 2 submitters: Uncertain significance (1); Likely benign (1). Last evaluated 2023-11-28.

Conditions:
Microcephaly-intellectual disability-sensorineural hearing loss-epilepsy-abnormal muscle tone syndrome (NEDHSB). Also called: NEURODEVELOPMENTAL DISORDER WITH HEARING LOSS, SEIZURES, AND BRAIN ABNORMALITIES. Identifiers: Orphanet 457351, MedGen C4225276, MONDO:0014698, OMIM 616577.

Allele frequency attached by ClinVar (database versions not stated): TOPMed below 0.00001; gnomAD exomes 0.00001.
gnomAD v4.1: 7 of 1,610,926 alleles (0.00043%); highest among the groups gnomAD compares: Non-Finnish European, 0.00059%; no homozygotes.

Submissions (2):

Blueprint Genetics
Classification: Likely benign. Last evaluated: 2023-11-28. Review status: criteria provided, single submitter. Criteria: ACMG Guidelines, 2015. Collection method: clinical testing. Allele origin: germline.

Labcorp Genetics (formerly Invitae), Labcorp
Classification: Uncertain significance for Microcephaly-intellectual disability-sensorineural hearing loss-epilepsy-abnormal muscle tone syndrome. Last evaluated: 2022-08-23. Review status: criteria provided, single submitter. Criteria: Invitae Variant Classification Sherloc (09022015). Collection method: clinical testing. Allele origin: germline.
Comment: This sequence change replaces glutamic acid, which is acidic and polar, with lysine, which is basic and polar, at codon 875 of the SPATA5 protein (p.Glu875Lys). This variant is not present in population databases (gnomAD no frequency). This variant has not been reported in the literature in individuals affected with SPATA5-related conditions. ClinVar contains an entry for this variant (Variation ID: 847421). Advanced modeling of protein sequence and biophysical properties (such as structural, functional, and spatial information, amino acid conservation, physicochemical variation, residue mobility, and thermodynamic stability) performed at Invitae indicates that this missense variant is not expected to disrupt SPATA5 protein function. In summary, the available evidence is currently insufficient to determine the role of this variant in disease. Therefore, it has been classified as a Variant of Uncertain Significance.